The following is an entry in ClinVar:

NM_002454.3(MTRR):c.1558-1G>A

Gene: MTRR (5-methyltetrahydrofolate-homocysteine methyltransferase reductase; plus strand). Cytogenetic location: 5p15.31.
Variant type: single nucleotide variant.
Coding change: c.1558-1G>A on transcript NM_002454.3 (MANE Select); the canonical splice acceptor site of the intron before coding-DNA position 1558, G replaced by A.
Molecular consequence: splice acceptor variant.
Genome position (GRCh38, 1-based): chr5:7,895,733, G>A. VCF-style: chr5-7895733-G-A. GRCh37 (hg19) VCF-style: chr5-7895846-G-A.
Other names: c.1558-1G>A (NM_001364440.2, NM_001364441.2, NM_001364442.2 and 1 more transcripts).
Identifiers: ClinVar variation 4815055 (VCV004815055.1).
Genomic context (GRCh38, chr5:7,895,733, plus strand): 5'-TGATTATATACTCTTGCCTAGGTTTTCTTTCATACTTACCACATTTGATGTAATATTTCA[G>A]ATATCCATCTCTCCTCGAACAACAAATTCTTTCCACTTACCAGATGACCCCTCAATCCCC-3'

ClinVar aggregate classification (germline): Likely pathogenic (1 of 4 stars; one submission).

Conditions:
Methylcobalamin deficiency type cblE (HMAE). Also called: HOMOCYSTINURIA-MEGALOBLASTIC ANEMIA, cblE TYPE; HOMOCYSTINURIA-MEGALOBLASTIC ANEMIA, cblE COMPLEMENTATION TYPE; VITAMIN B12-RESPONSIVE HOMOCYSTINURIA, cblE TYPE. Identifiers: Orphanet 2169, Orphanet 622, MedGen C1856057, MONDO:0009354, OMIM 236270.

Submission:

Natera, Inc.
Classification: Likely pathogenic for CblE complementation type homocystinuria-megaloblastic anemia due to defect in cobalamin metabolism. Last evaluated: 2024-05-13. Review status: criteria provided, single submitter. Criteria: Natera Variant Classification Schema (03/2026). Collection method: clinical testing. Allele origin: germline.
Comment: The c.1558-1G>A variant in MTRR is a canonical splice acceptor site variant predicted to affect pre-mRNA splicing, which may result in an abnormal transcript and altered protein product. This variant is expected to result in nonsense mediated decay, truncation, or a dysfunctional protein product. This variant is rare in the general population with a frequency below the threshold expected for the associated phenotype(s). Given the available evidence, this variant is classified as Likely Pathogenic.